The following is an entry in ClinVar:

ClinVar aggregate classification (germline): Uncertain significance (1 of 4 stars; one submission).

Conditions:
PROK2-related disorder. Also called: PROK2-related condition.

Allele frequency attached by ClinVar (database versions not stated): gnomAD exomes below 0.00001; gnomAD 0.00001.

Submission:

PreventionGenetics, part of Exact Sciences
Classification: Uncertain significance for PROK2-related condition. Last evaluated: 2024-10-10. Review status: criteria provided, single submitter. Criteria: ACMG Guidelines, 2015. Collection method: clinical testing. Allele origin: germline.
Comment: The PROK2 c.124G>C variant is predicted to result in the amino acid substitution p.Gly42Arg. To our knowledge, this variant has not been reported in the literature. This variant is reported in 0.0056% of alleles in individuals of Latino descent in gnomAD. At this time, the clinical significance of this variant is uncertain due to the absence of conclusive functional and genetic evidence.

NM_001126128.2(PROK2):c.124G>C (p.Gly42Arg)

Gene: PROK2 (prokineticin 2; minus strand). Cytogenetic location: 3p13.
Variant type: single nucleotide variant.
Coding change: c.124G>C on transcript NM_001126128.2 (MANE Select); coding-DNA position 124, G replaced by C.
Protein change: p.Gly42Arg; replaces glycine 42 with arginine.
Molecular consequence: missense variant.
Genome position (GRCh38, 1-based): chr3:71,781,565, C>G on the plus strand (G>C on the coding strand, the complement: PROK2 is on the minus strand). VCF-style: chr3-71781565-C-G. GRCh37 (hg19) VCF-style: chr3-71830716-C-G.
Other names: c.124G>C, p.Gly42Arg (NM_021935.4); short protein forms G42R.
Identifiers: ClinVar variation 3044048 (VCV003044048.3), dbSNP rs1345415036, ClinGen allele CA353501160.